The following is an entry in ClinVar:

ClinVar aggregate classification (germline): Uncertain significance (1 of 4 stars; one submission).

Allele frequency attached by ClinVar (database versions not stated): gnomAD exomes below 0.00001; ExAC 0.00001.
gnomAD v4.1: 1 of 1,614,182 alleles (0.000062%); highest among the groups gnomAD compares: Non-Finnish European, 0.000085%; no homozygotes.

Submission:

Ambry Genetics
Classification: Uncertain significance. Last evaluated: 2024-02-18. Review status: criteria provided, single submitter. Criteria: Ambry Variant Classification Scheme 2023. Collection method: clinical testing. Allele origin: germline.
Comment: The p.I440T variant (also known as c.1319T>C), located in coding exon 13 of the NPAT gene, results from a T to C substitution at nucleotide position 1319. The isoleucine at codon 440 is replaced by threonine, an amino acid with similar properties. This amino acid position is conserved. In addition, this alteration is predicted to be tolerated by in silico analysis. Since supporting evidence is limited at this time, the clinical significance of this alteration remains unclear.

NM_002519.3(NPAT):c.1319T>C (p.Ile440Thr)

Gene: NPAT (nuclear protein, coactivator of histone transcription; minus strand). Cytogenetic location: 11q22.3.
Variant type: single nucleotide variant.
Coding change: c.1319T>C on transcript NM_002519.3 (MANE Select); coding-DNA position 1319, T replaced by C.
Protein change: p.Ile440Thr; replaces isoleucine 440 with threonine.
Molecular consequence: missense variant.
Genome position (GRCh38, 1-based): chr11:108,173,665, A>G on the plus strand (T>C on the coding strand, the complement: NPAT is on the minus strand). VCF-style: chr11-108173665-A-G. GRCh37 (hg19) VCF-style: chr11-108044392-A-G.
Other names: c.1319T>C, p.Ile440Thr (NM_001321307.1); short protein forms I440T.
Identifiers: ClinVar variation 1769856 (VCV001769856.2), dbSNP rs758713539, ClinGen allele CA6264022.